The following is an entry in ClinVar:

ClinVar aggregate classification (germline): Uncertain significance. Review status: criteria provided, multiple submitters, no conflicts (2 of 4 stars). 2 submissions from 2 submitters: Uncertain significance (2). Last evaluated 2025-03-26.

Conditions:
Hereditary cancer-predisposing syndrome. Also called: Hereditary Cancer Syndrome; Tumor predisposition; Hereditary neoplastic syndrome; Neoplastic Syndromes, Hereditary. Identifiers: Orphanet 140162, MedGen C0027672, MeSH D009386, MONDO:0015356.

Allele frequency attached by ClinVar (database versions not stated): TOPMed below 0.00001.

Submissions (2):

Ambry Genetics
Classification: Uncertain significance for Hereditary cancer-predisposing syndrome. Last evaluated: 2025-03-26. Review status: criteria provided, single submitter. Criteria: Ambry Variant Classification Scheme 2023. Collection method: clinical testing. Allele origin: germline.
Comment: The p.D1015E variant (also known as c.3045C>A), located in coding exon 25 of the POLE gene, results from a C to A substitution at nucleotide position 3045. The aspartic acid at codon 1015 is replaced by glutamic acid, an amino acid with highly similar properties. This amino acid position is conserved. In addition, this alteration is predicted to be tolerated by in silico analysis. Based on the available evidence, the clinical significance of this variant remains unclear.

Labcorp Genetics (formerly Invitae), Labcorp
Classification: Uncertain significance. Last evaluated: 2025-01-06. Review status: criteria provided, single submitter. Criteria: Invitae Variant Classification Sherloc (09022015). Collection method: clinical testing. Allele origin: germline.
Comment: This sequence change replaces aspartic acid, which is acidic and polar, with glutamic acid, which is acidic and polar, at codon 1015 of the POLE protein (p.Asp1015Glu). This variant is present in population databases (rs753809068, gnomAD 0.002%). This variant has not been reported in the literature in individuals affected with POLE-related conditions. ClinVar contains an entry for this variant (Variation ID: 1046921). Invitae Evidence Modeling of protein sequence and biophysical properties (such as structural, functional, and spatial information, amino acid conservation, physicochemical variation, residue mobility, and thermodynamic stability) has been performed for this missense variant. However, the output from this modeling did not meet the statistical confidence thresholds required to predict the impact of this variant on POLE protein function. In summary, the available evidence is currently insufficient to determine the role of this variant in disease. Therefore, it has been classified as a Variant of Uncertain Significance.

NM_006231.4(POLE):c.3045C>A (p.Asp1015Glu)

Gene: POLE (DNA polymerase epsilon, catalytic subunit; minus strand). Cytogenetic location: 12q24.33.
Variant type: single nucleotide variant.
Coding change: c.3045C>A on transcript NM_006231.4 (MANE Select); coding-DNA position 3045, C replaced by A.
Protein change: p.Asp1015Glu; replaces aspartic acid 1015 with glutamic acid.
Molecular consequence: missense variant.
Genome position (GRCh38, 1-based): chr12:132,660,984, G>T on the plus strand (C>A on the coding strand, the complement: POLE is on the minus strand). VCF-style: chr12-132660984-G-T. GRCh37 (hg19) VCF-style: chr12-133237570-G-T.
Other names: short protein forms D1015E.
Identifiers: ClinVar variation 1046921 (VCV001046921.11), dbSNP rs753809068, ClinGen allele CA6893386.